The following is an entry in ClinVar:

NM_001046.3(SLC12A2):c.2839A>C (p.Thr947Pro)

Gene: SLC12A2 (solute carrier family 12 member 2; plus strand). Cytogenetic location: 5q23.3.
Variant type: single nucleotide variant.
Coding change: c.2839A>C on transcript NM_001046.3 (MANE Select); coding-DNA position 2839, A replaced by C.
Protein change: p.Thr947Pro; replaces threonine 947 with proline.
Molecular consequence: missense variant. On other transcripts: non-coding transcript variant (1).
Genome position (GRCh38, 1-based): chr5:128,174,576, A>C. VCF-style: chr5-128174576-A-C. GRCh37 (hg19) VCF-style: chr5-127510268-A-C.
Other names: c.2839A>C, p.Thr947Pro (NM_001256461.2); short protein forms T947P.
Identifiers: ClinVar variation 2174895 (VCV002174895.4), dbSNP rs760577700, ClinGen allele CA3393486.

ClinVar aggregate classification (germline): Uncertain significance (1 of 4 stars; one submission).

Allele frequency attached by ClinVar (database versions not stated): ExAC 0.00001; TOPMed 0.00001.
gnomAD v4.1: 6 of 1,609,360 alleles (0.00037%); highest among the groups gnomAD compares: Non-Finnish European, 0.00051%; no homozygotes.

Submission:

Labcorp Genetics (formerly Invitae), Labcorp
Classification: Uncertain significance. Last evaluated: 2025-06-11. Review status: criteria provided, single submitter. Criteria: Invitae Variant Classification Sherloc (09022015). Collection method: clinical testing. Allele origin: germline.
Comment: This sequence change replaces threonine, which is neutral and polar, with proline, which is neutral and non-polar, at codon 947 of the SLC12A2 protein (p.Thr947Pro). The frequency data for this variant in the population databases is considered unreliable, as metrics indicate poor data quality at this position in the gnomAD database. This variant has not been reported in the literature in individuals affected with SLC12A2-related conditions. ClinVar contains an entry for this variant (Variation ID: 2174895). Invitae Evidence Modeling of protein sequence and biophysical properties (such as structural, functional, and spatial information, amino acid conservation, physicochemical variation, residue mobility, and thermodynamic stability) indicates that this missense variant is not expected to disrupt SLC12A2 protein function with a negative predictive value of 95%. In summary, the available evidence is currently insufficient to determine the role of this variant in disease. Therefore, it has been classified as a Variant of Uncertain Significance.